The following is an entry in ClinVar:

NM_198428.3(BBS9):c.361T>C (p.Cys121Arg)

Gene: BBS9 (Bardet-Biedl syndrome 9; plus strand). Cytogenetic location: 7p14.3.
Variant type: single nucleotide variant.
Coding change: c.361T>C on transcript NM_198428.3 (MANE Select); coding-DNA position 361, T replaced by C.
Protein change: p.Cys121Arg; replaces cysteine 121 with arginine.
Molecular consequence: missense variant. On other transcripts: 5 prime UTR variant (4), non-coding transcript variant (3).
Genome position (GRCh38, 1-based): chr7:33,177,510, T>C. VCF-style: chr7-33177510-T-C. GRCh37 (hg19) VCF-style: chr7-33217122-T-C.
Other names: c.361T>C, p.Cys121Arg (NM_001033604.2, NM_001033605.2, NM_001348036.1 and 5 more transcripts); c.-6T>C (NM_001348037.3, NM_001348044.3, NM_001348045.3 and 1 more transcripts); c.88T>C, p.Cys30Arg (NM_001348038.3, NM_001348039.3); c.226T>C, p.Cys76Arg (NM_001348042.3); short protein forms C30R, C121R, C76R.
Identifiers: ClinVar variation 4991404 (VCV004991404.1).

ClinVar aggregate classification (germline): Uncertain significance (1 of 4 stars; one submission).

Conditions:
BBS9-related disorder. Also called: BBS9-related condition.

gnomAD v4.1: 1 of 1,612,992 alleles (0.000062%); highest among the groups gnomAD compares: Non-Finnish European, 0.000085%; no homozygotes.

Submission:

PreventionGenetics, part of Exact Sciences
Classification: Uncertain significance for BBS9-related condition. Last evaluated: 2025-11-17. Review status: criteria provided, single submitter. Criteria: ACMG Guidelines, 2015. Collection method: clinical testing. Allele origin: germline.
Comment: The BBS9 c.361T>C variant is predicted to result in the amino acid substitution p.Cys121Arg. To our knowledge, this variant has not been reported in the literature. This variant is reported in 0.00088% of alleles in individuals of European (Non-Finnish) descent in gnomAD. At this time, the clinical significance of this variant is uncertain due to the absence of conclusive functional and genetic evidence.